The following is an entry in ClinVar:

ClinVar aggregate classification (germline): Likely benign (0 of 4 stars; one submission).

Conditions:
VIPAS39-related disorder. Also called: VIPAS39-related condition.

Allele frequency attached by ClinVar (database versions not stated): TOPMed below 0.00001; gnomAD exomes 0.00001.
gnomAD v4.1: 12 of 1,613,902 alleles (0.00074%); highest among the groups gnomAD compares: Non-Finnish European, 0.001%; no homozygotes.

Submission:

PreventionGenetics, part of Exact Sciences
Classification: Likely benign for VIPAS39-related condition. Last evaluated: 2023-05-25. Review status: no assertion criteria provided. Collection method: clinical testing. Allele origin: germline.
Comment: This variant is classified as likely benign based on ACMG/AMP sequence variant interpretation guidelines (Richards et al. 2015 PMID: 25741868, with internal and published modifications).

NM_001193315.2(VIPAS39):c.828C>T (p.Thr276=)

Gene: VIPAS39 (VPS33B interacting protein, apical-basolateral polarity regulator, spe-39 homolog; minus strand). Cytogenetic location: 14q24.3.
Variant type: single nucleotide variant.
Coding change: c.828C>T on transcript NM_001193315.2 (MANE Select); coding-DNA position 828, C replaced by T.
Protein change: p.Thr276=; no amino-acid change (threonine 276 retained).
Molecular consequence: synonymous variant. On other transcripts: non-coding transcript variant (1), intron variant (2).
Genome position (GRCh38, 1-based): chr14:77,437,816, G>A on the plus strand (C>T on the coding strand, the complement: VIPAS39 is on the minus strand). VCF-style: chr14-77437816-G-A. GRCh37 (hg19) VCF-style: chr14-77904159-G-A.
Other names: c.828C>T, p.Thr276= (NM_001193314.2, NM_001193317.2, NM_001400326.1 and 6 more transcripts); c.681C>T, p.Thr227= (NM_001193316.2, NM_001400324.1, NM_001400325.1); c.795C>T, p.Thr265= (NM_001400327.1); c.735C>T, p.Thr245= (NM_001400333.1, NM_001400334.1); c.588C>T, p.Thr196= (NM_001400337.1); c.735-1897C>T (NM_001400338.1); c.762+3250C>T (NM_001400339.1).
Identifiers: ClinVar variation 3048318 (VCV003048318.2), dbSNP rs751519817, ClinGen allele CA263839163.